The following is an entry in ClinVar:

NM_006445.4(PRPF8):c.6956_6957dup (p.Leu2320fs)

Gene: PRPF8 (pre-mRNA processing factor 8; minus strand). Cytogenetic location: 17p13.3.
Variant type: Microsatellite.
Coding change: c.6956_6957dup on transcript NM_006445.4 (MANE Select); coding-DNA positions 6956 to 6957, 2 bases duplicated (TC; older notation c.6956_6957dupTC).
Protein change: p.Leu2320fs; shifts the reading frame from leucine 2320.
Molecular consequence: frameshift variant.
Genome position (GRCh38, 1-based): chr17:1,650,853-1,650,854, GA duplicated on the plus strand (TC on the coding strand, the reverse complement: PRPF8 is on the minus strand); duplicating any 2 consecutive bases within chr17:1,650,853-1,650,857 gives the same sequence; the c. name uses the placement nearest the transcript's 3' end. VCF-style (leftmost placement, unchanged base first): chr17-1650852-G-GGA. GRCh37 (hg19) VCF-style: chr17-1554146-G-GGA.
Other names: short protein forms L2320fs.
Identifiers: ClinVar variation 2746009 (VCV002746009.3), dbSNP rs2543709653, ClinGen allele CA2697556105.

ClinVar aggregate classification (germline): Pathogenic (1 of 4 stars; one submission).

Submission:

Labcorp Genetics (formerly Invitae), Labcorp
Classification: Pathogenic. Last evaluated: 2023-07-24. Review status: criteria provided, single submitter. Criteria: Invitae Variant Classification Sherloc (09022015). Collection method: clinical testing. Allele origin: germline.
Comment: For these reasons, this variant has been classified as Pathogenic. This variant disrupts a region of the PRPF8 protein in which other variant(s) (p.Tyr2334Asn) have been determined to be pathogenic (PMID: 20232351, 21378395, 28515276; Invitae). This suggests that this is a clinically significant region of the protein, and that variants that disrupt it are likely to be disease-causing. This sequence change results in a frameshift in the PRPF8 gene (p.Leu2320Serfs*40). While this is not anticipated to result in nonsense mediated decay, it is expected to disrupt the last 16 amino acid(s) of the PRPF8 protein and extend the protein by 23 additional amino acid residues. This variant is not present in population databases (gnomAD no frequency). This variant has not been reported in the literature in individuals affected with PRPF8-related conditions. Algorithms developed to predict the effect of sequence changes on RNA splicing suggest that this variant may create or strengthen a splice site.

Literature cited by the submitters: PubMed 20232351; PubMed 21378395; PubMed 28515276.